The following is an entry in ClinVar:

ClinVar aggregate classification (germline): Uncertain significance (1 of 4 stars; one submission).

Allele frequency attached by ClinVar (database versions not stated): gnomAD exomes below 0.00001.
gnomAD v4.1: 2 of 1,612,500 alleles (0.00012%); highest among the groups gnomAD compares: Non-Finnish European, 0.00017%; no homozygotes.

Submission:

Ambry Genetics
Classification: Uncertain significance. Last evaluated: 2022-07-27. Review status: criteria provided, single submitter. Criteria: Ambry Variant Classification Scheme 2023. Collection method: clinical testing. Allele origin: germline.
Comment: The p.S563A variant (also known as c.1687T>G), located in coding exon 15 of the BUB1 gene, results from a T to G substitution at nucleotide position 1687. The serine at codon 563 is replaced by alanine, an amino acid with similar properties. This amino acid position is conserved. In addition, this alteration is predicted to be tolerated by in silico analysis. Since supporting evidence is limited at this time, the clinical significance of this alteration remains unclear.

NM_004336.5(BUB1):c.1687T>G (p.Ser563Ala)

Gene: BUB1 (BUB1 mitotic checkpoint serine/threonine kinase; minus strand). Cytogenetic location: 2q13.
Variant type: single nucleotide variant.
Coding change: c.1687T>G on transcript NM_004336.5 (MANE Select); coding-DNA position 1687, T replaced by G.
Protein change: p.Ser563Ala; replaces serine 563 with alanine.
Molecular consequence: missense variant.
Genome position (GRCh38, 1-based): chr2:110,657,047, A>C on the plus strand (T>G on the coding strand, the complement: BUB1 is on the minus strand). VCF-style: chr2-110657047-A-C. GRCh37 (hg19) VCF-style: chr2-111414624-A-C.
Other names: c.1627T>G, p.Ser543Ala (NM_001278616.2); c.1687T>G, p.Ser563Ala (NM_001278617.2); short protein forms S563A, S543A.
Identifiers: ClinVar variation 1778042 (VCV001778042.2), dbSNP rs1689952266, ClinGen allele CA348211323.